The following is an entry in ClinVar:

NM_001243133.2(NLRP3):c.914T>G (p.Leu305Arg)

Gene: NLRP3 (NLR family pyrin domain containing 3; plus strand). Cytogenetic location: 1q44.
Variant type: single nucleotide variant.
Coding change: c.914T>G on transcript NM_001243133.2 (MANE Select); coding-DNA position 914, T replaced by G.
Protein change: p.Leu305Arg; replaces leucine 305 with arginine.
Molecular consequence: missense variant.
Genome position (GRCh38, 1-based): chr1:247,424,363, T>G. VCF-style: chr1-247424363-T-G. GRCh37 (hg19) VCF-style: chr1-247587665-T-G.
Other names: c.914T>G, p.Leu305Arg (NM_001079821.3, NM_001127461.3, NM_001127462.3 and 1 more transcripts); c.920T>G, p.Leu307Arg (NM_004895.5); short protein forms L305R, L307R.
Identifiers: ClinVar variation 4823495 (VCV004823495.4).

ClinVar aggregate classification (germline): Likely pathogenic (1 of 4 stars; one submission).

Submission:

CeGaT Center for Human Genetics Tuebingen
Classification: Likely pathogenic. Last evaluated: 2026-03-01. Review status: criteria provided, single submitter. Criteria: CeGaT Center For Human Genetics Tuebingen Variant Classification Criteria Version 2. Collection method: clinical testing. Allele origin: germline. Affected: yes. Observed: 1 variant allele.
Comment: NLRP3: PM1, PM2, PM5